The following is an entry in ClinVar:

NM_001039141.3(TRIOBP):c.6123T>A (p.Asn2041Lys)

Gene: TRIOBP (TRIO and F-actin binding protein; plus strand). Cytogenetic location: 22q13.1.
Variant type: single nucleotide variant.
Coding change: c.6123T>A on transcript NM_001039141.3 (MANE Select); coding-DNA position 6123, T replaced by A.
Protein change: p.Asn2041Lys; replaces asparagine 2041 with lysine.
Molecular consequence: missense variant.
Genome position (GRCh38, 1-based): chr22:37,758,048, T>A. VCF-style: chr22-37758048-T-A. GRCh37 (hg19) VCF-style: chr22-38154055-T-A.
Other names: c.984T>A, p.Asn328Lys (NM_007032.5, NM_138632.2); c.6123T>A (NM_001039141.2); short protein forms N2041K, N328K.
Identifiers: ClinVar variation 595059 (VCV000595059.12), dbSNP rs372525528, ClinGen allele CA10224878.

ClinVar aggregate classification (germline): Uncertain significance. Review status: criteria provided, multiple submitters, no conflicts (2 of 4 stars). 4 submissions from 4 submitters: Uncertain significance (4). Last evaluated 2025-10-01.

Conditions:
TRIOBP-related disorder. Also called: TRIOBP-related condition.
Inborn genetic diseases. Identifiers: MedGen C0950123, MeSH D030342.

Allele frequency attached by ClinVar (database versions not stated): gnomAD 0.00004; TOPMed 0.00006; gnomAD exomes 0.00011 and 0.00018; ExAC 0.00013; ESP Exome Variant Server 0.00016; 1000 Genomes Project 0.00020; 1000 Genomes Project 30x 0.00031.
gnomAD v4.1: 269 of 1,611,956 alleles (0.017%); highest among the groups gnomAD compares: Non-Finnish European, 0.021%; no homozygotes.

Submissions (4):

Labcorp Genetics (formerly Invitae), Labcorp
Classification: Uncertain significance. Last evaluated: 2025-10-01. Review status: criteria provided, single submitter. Criteria: Invitae Variant Classification Sherloc (09022015). Collection method: clinical testing. Allele origin: germline.
Comment: This sequence change replaces asparagine, which is neutral and polar, with lysine, which is basic and polar, at codon 2041 of the TRIOBP protein (p.Asn2041Lys). This variant is present in population databases (rs372525528, gnomAD 0.02%). This variant has not been reported in the literature in individuals affected with TRIOBP-related conditions. ClinVar contains an entry for this variant (Variation ID: 595059). An algorithm developed to predict the effect of missense changes on protein structure and function (PolyPhen-2) suggests that this variant is likely to be disruptive. In summary, the available evidence is currently insufficient to determine the role of this variant in disease. Therefore, it has been classified as a Variant of Uncertain Significance.

Ambry Genetics
Classification: Uncertain significance for Inborn genetic diseases. Last evaluated: 2025-05-22. Review status: criteria provided, single submitter. Criteria: Ambry Variant Classification Scheme 2023. Collection method: clinical testing. Allele origin: germline.

PreventionGenetics, part of Exact Sciences
Classification: Uncertain significance for TRIOBP-related condition. Last evaluated: 2025-02-19. Review status: criteria provided, single submitter. Criteria: ACMG Guidelines, 2015. Collection method: clinical testing. Allele origin: germline.
Comment: The TRIOBP c.6123T>A variant is predicted to result in the amino acid substitution p.Asn2041Lys. To our knowledge, this variant has not been reported in the literature. This variant is reported in 0.019% of alleles in individuals of European (Non-Finnish) descent in gnomAD. At this time, the clinical significance of this variant is uncertain due to the absence of conclusive functional and genetic evidence.

Eurofins Ntd Llc (ga)
Classification: Uncertain significance. Last evaluated: 2017-11-28. Review status: criteria provided, single submitter. Criteria: EGL Classification Definitions 2015. Collection method: clinical testing. Allele origin: germline. Observed: 1 variant allele, 1 heterozygote.